The following is an entry in ClinVar:

NM_000051.4(ATM):c.624A>G (p.Lys208=)

Gene: ATM (ATM serine/threonine kinase; plus strand). Cytogenetic location: 11q22.3.
Variant type: single nucleotide variant.
Coding change: c.624A>G on transcript NM_000051.4 (MANE Select); coding-DNA position 624, A replaced by G.
Protein change: p.Lys208=; no amino-acid change (lysine 208 retained).
Molecular consequence: synonymous variant.
Genome position (GRCh38, 1-based): chr11:108,244,080, A>G. VCF-style: chr11-108244080-A-G. GRCh37 (hg19) VCF-style: chr11-108114807-A-G.
Other names: c.624A>G, p.Lys208= (NM_001351834.2).
Identifiers: ClinVar variation 3254065 (VCV003254065.1), dbSNP rs2497133508.

ClinVar aggregate classification (germline): Benign (1 of 4 stars; one submission).

Conditions:
Familial cancer of breast. Also called: BREAST CANCER, FAMILIAL; Hereditary breast cancer; hereditary breast carcinoma. Identifiers: Orphanet 227535, MedGen C0346153, MONDO:0016419, OMIM 114480. Disease mechanism: loss of function.

Allele frequency attached by ClinVar (database versions not stated): gnomAD exomes below 0.00001.
gnomAD v4.1: 1 of 1,613,800 alleles (0.000062%); highest among the groups gnomAD compares: South Asian, 0.0011%; no homozygotes.

Submission:

Myriad Genetics, Inc.
Classification: Benign for Familial cancer of breast. Last evaluated: 2024-04-22. Review status: criteria provided, single submitter. Criteria: Myriad Autosomal Dominant, Autosomal Recessive and X-Linked Classification Criteria (2023). Collection method: clinical testing. Allele origin: unknown.
Comment: This variant is considered benign. This variant is a silent/synonymous amino acid change and it is not expected to impact splicing.